The following is an entry in ClinVar:

ClinVar aggregate classification (germline): Likely pathogenic (1 of 4 stars; one submission).

Conditions:
Early-infantile DEE. Also called: Early infantile epileptic encephalopathy; Ohtahara syndrome; Early infantile epileptic encephalopathy with suppression bursts. Identifiers: Orphanet 1934, MedGen C0393706, MONDO:0800491.

Submission:

Labcorp Genetics (formerly Invitae), Labcorp
Classification: Likely pathogenic for Early-infantile DEE. Last evaluated: 2024-11-05. Review status: criteria provided, single submitter. Criteria: Invitae Variant Classification Sherloc (09022015). Collection method: clinical testing. Allele origin: germline.
Comment: This sequence change replaces glycine, which is neutral and non-polar, with alanine, which is neutral and non-polar, at codon 1475 of the SCN8A protein (p.Gly1475Ala). This variant is not present in population databases (gnomAD no frequency). This variant has not been reported in the literature in individuals affected with SCN8A-related conditions. Invitae Evidence Modeling of protein sequence and biophysical properties (such as structural, functional, and spatial information, amino acid conservation, physicochemical variation, residue mobility, and thermodynamic stability) indicates that this missense variant is expected to disrupt SCN8A protein function with a positive predictive value of 95%. Algorithms developed to predict the effect of sequence changes on RNA splicing suggest that this variant may create or strengthen a splice site. This variant disrupts the p.Gly1475 amino acid residue in SCN8A. Other variant(s) that disrupt this residue have been determined to be pathogenic (PMID: 27864847, 28923014, 30171078). This suggests that this residue is clinically significant, and that variants that disrupt this residue are likely to be disease-causing. In summary, the currently available evidence indicates that the variant is pathogenic, but additional data are needed to prove that conclusively. Therefore, this variant has been classified as Likely Pathogenic.

Literature cited by the submitters: PubMed 27864847; PubMed 28923014; PubMed 30171078.

NM_001330260.2(SCN8A):c.4424G>C (p.Gly1475Ala)

Gene: SCN8A (sodium voltage-gated channel alpha subunit 8; plus strand). Cytogenetic location: 12q13.13.
Variant type: single nucleotide variant.
Coding change: c.4424G>C on transcript NM_001330260.2 (MANE Select); coding-DNA position 4424, G replaced by C.
Protein change: p.Gly1475Ala; replaces glycine 1475 with alanine.
Molecular consequence: missense variant.
Genome position (GRCh38, 1-based): chr12:51,790,402, G>C. VCF-style: chr12-51790402-G-C. GRCh37 (hg19) VCF-style: chr12-52184186-G-C.
Other names: c.4301G>C, p.Gly1434Ala (NM_001177984.3, NM_001369788.1); c.4424G>C, p.Gly1475Ala (NM_014191.4); short protein forms G1434A, G1475A.
Identifiers: ClinVar variation 3635206 (VCV003635206.2).